The following is an entry in ClinVar:

ClinVar aggregate classification (germline): Uncertain significance (1 of 4 stars; one submission).

Submission:

GeneDx
Classification: Uncertain significance. Last evaluated: 2017-08-09. Review status: criteria provided, single submitter. Criteria: GeneDx Variant Classification (06012015). Collection method: clinical testing. Allele origin: germline. Affected: yes.
Comment: The E1247V variant in the MYH14 gene has not been reported previously as a pathogenic variant, nor as a benign variant, to our knowledge. The E1247V variant is not observed in large population cohorts (Lek et al., 2016; 1000 Genomes Consortium et al., 2015; Exome Variant Server). The E1247V variant is a non-conservative amino acid substitution, which is likely to impact secondary protein structure as these residues differ in polarity, charge, size and/or other properties. This substitution occurs at a position that is conserved across species. In silico analysis predicts this variant is probably damaging to the protein structure/function. We interpret E1247V as a variant of uncertain significance.

NM_001145809.2(MYH14):c.3863A>T (p.Glu1288Val)

Gene: MYH14 (myosin heavy chain 14; plus strand). Cytogenetic location: 19q13.33.
Variant type: single nucleotide variant.
Coding change: c.3863A>T on transcript NM_001145809.2 (MANE Select); coding-DNA position 3863, A replaced by T.
Protein change: p.Glu1288Val; replaces glutamic acid 1288 with valine.
Molecular consequence: missense variant.
Genome position (GRCh38, 1-based): chr19:50,278,120, A>T. VCF-style: chr19-50278120-A-T. GRCh37 (hg19) VCF-style: chr19-50781377-A-T.
Other names: c.3764A>T, p.Glu1255Val (NM_001077186.2); c.3740A>T, p.Glu1247Val (NM_024729.4); short protein forms E1247V, E1288V, E1255V.
Identifiers: ClinVar variation 451029 (VCV000451029.2), dbSNP rs1555773701, ClinGen allele CA406956377.